The following is an entry in ClinVar:

ClinVar aggregate classification (germline): Uncertain significance (1 of 4 stars; one submission).

Conditions:
Microcephaly, normal intelligence and immunodeficiency (NBS). Also called: BERLIN BREAKAGE SYNDROME; Ataxia telangiectasia variant V1; IMMUNODEFICIENCY, MICROCEPHALY, AND CHROMOSOMAL INSTABILITY; SEEMANOVA SYNDROME II; Immunodeficiency, microcephaly with normal intelligence; Nijmegen breakage syndrome. Identifiers: Orphanet 647, MedGen C0398791, MONDO:0009623, OMIM 251260.

gnomAD v4.1: 2 of 1,614,030 alleles (0.00012%); highest among the groups gnomAD compares: Non-Finnish European, 0.00017%; no homozygotes.

Submission:

Labcorp Genetics (formerly Invitae), Labcorp
Classification: Uncertain significance for Microcephaly, normal intelligence and immunodeficiency. Last evaluated: 2023-03-13. Review status: criteria provided, single submitter. Criteria: Invitae Variant Classification Sherloc (09022015). Collection method: clinical testing. Allele origin: germline.
Comment: In summary, the available evidence is currently insufficient to determine the role of this variant in disease. Therefore, it has been classified as a Variant of Uncertain Significance. An algorithm developed to predict the effect of missense changes on protein structure and function (PolyPhen-2) suggests that this variant is likely to be disruptive. ClinVar contains an entry for this variant (Variation ID: 629317). This variant has not been reported in the literature in individuals affected with NBN-related conditions. This variant is not present in population databases (gnomAD no frequency). This sequence change replaces isoleucine, which is neutral and non-polar, with phenylalanine, which is neutral and non-polar, at codon 41 of the NBN protein (p.Ile41Phe).

NM_002485.5(NBN):c.121A>T (p.Ile41Phe)

Gene: NBN (nibrin; minus strand). Cytogenetic location: 8q21.3.
Variant type: single nucleotide variant.
Coding change: c.121A>T on transcript NM_002485.5 (MANE Select); coding-DNA position 121, A replaced by T.
Protein change: p.Ile41Phe; replaces isoleucine 41 with phenylalanine.
Molecular consequence: missense variant. On other transcripts: 5 prime UTR variant (1).
Genome position (GRCh38, 1-based): chr8:89,982,772, T>A on the plus strand (A>T on the coding strand, the complement: NBN is on the minus strand). VCF-style: chr8-89982772-T-A. GRCh37 (hg19) VCF-style: chr8-90995000-T-A.
Other names: c.-176A>T (NM_001024688.3); short protein forms I41F.
Identifiers: ClinVar variation 629317 (VCV000629317.8), dbSNP rs1563584220, ClinGen allele CA371663107.